The following is an entry in ClinVar:

NM_182931.3(KMT2E):c.32C>A (p.Thr11Lys)

Gene: KMT2E (lysine methyltransferase 2E (inactive); plus strand). Cytogenetic location: 7q22.3.
Variant type: single nucleotide variant.
Coding change: c.32C>A on transcript NM_182931.3 (MANE Select); coding-DNA position 32, C replaced by A.
Protein change: p.Thr11Lys; replaces threonine 11 with lysine.
Molecular consequence: missense variant.
Genome position (GRCh38, 1-based): chr7:105,040,984, C>A. VCF-style: chr7-105040984-C-A. GRCh37 (hg19) VCF-style: chr7-104681431-C-A.
Other names: c.32C>A, p.Thr11Lys (NM_001410908.1, NM_018682.4); short protein forms T11K.
Identifiers: ClinVar variation 4765605 (VCV004765605.1).

ClinVar aggregate classification (germline): Uncertain significance (1 of 4 stars; one submission).

gnomAD v4.1: 5 of 1,602,124 alleles (0.00031%); highest among the groups gnomAD compares: African/African-American, 0.0014%; no homozygotes.

Submission:

Labcorp Genetics (formerly Invitae), Labcorp
Classification: Uncertain significance. Last evaluated: 2025-04-21. Review status: criteria provided, single submitter. Criteria: Invitae Variant Classification Sherloc (09022015). Collection method: clinical testing. Allele origin: germline.
Comment: This sequence change replaces threonine, which is neutral and polar, with lysine, which is basic and polar, at codon 11 of the KMT2E protein (p.Thr11Lys). This variant is not present in population databases (gnomAD no frequency). This variant has not been reported in the literature in individuals affected with KMT2E-related conditions. Experimental studies and prediction algorithms are not available or were not evaluated, and the functional significance of this variant is currently unknown. In summary, the available evidence is currently insufficient to determine the role of this variant in disease. Therefore, it has been classified as a Variant of Uncertain Significance.